The following is an entry in ClinVar:

NM_001134831.2(AHI1):c.1788T>C (p.Arg596=)

Gene: AHI1 (Abelson helper integration site 1; minus strand). Cytogenetic location: 6q23.3.
Variant type: single nucleotide variant.
Coding change: c.1788T>C on transcript NM_001134831.2 (MANE Select); coding-DNA position 1788, T replaced by C.
Protein change: p.Arg596=; no amino-acid change (arginine 596 retained).
Molecular consequence: synonymous variant.
Genome position (GRCh38, 1-based): chr6:135,442,706, A>G on the plus strand (T>C on the coding strand, the complement: AHI1 is on the minus strand). VCF-style: chr6-135442706-A-G. GRCh37 (hg19) VCF-style: chr6-135763844-A-G.
Other names: c.1788T>C, p.Arg596= (NM_001134830.2, NM_001134832.2, NM_001350503.2 and 2 more transcripts).
Identifiers: ClinVar variation 355506 (VCV000355506.13), dbSNP rs548478362, ClinGen allele CA4012505.

ClinVar aggregate classification (germline): Conflicting classifications of pathogenicity. Review status: criteria provided, conflicting classifications (1 of 4 stars). 4 submissions from 4 submitters: Uncertain significance (1); Likely benign (3). Last evaluated 2026-01-12.

Conditions:
AHI1-related disorder. Also called: AHI1-related condition.
Joubert syndrome. Also called: Familial aplasia of the vermis; JOUBERT-BOLTSHAUSER SYNDROME. Identifiers: Orphanet 475, MedGen C5979921, MONDO:0018772.
Joubert syndrome 3 (JBTS3). Also called: AHI1-related Ciliopathy. Identifiers: Orphanet 220493, MedGen C1837713, MONDO:0012078, OMIM 608629.

Allele frequency attached by ClinVar (database versions not stated): gnomAD 0.00003 and 0.00004; TOPMed 0.00003; ExAC 0.00007; gnomAD exomes 0.00007 and 0.00019.
gnomAD v4.1: 271 of 1,604,694 alleles (0.017%); highest among the groups gnomAD compares: Non-Finnish European, 0.023%; no homozygotes.

Submissions (4):

Labcorp Genetics (formerly Invitae), Labcorp
Classification: Likely benign for Joubert syndrome. Last evaluated: 2026-01-12. Review status: criteria provided, single submitter. Criteria: Invitae Variant Classification Sherloc (09022015). Collection method: clinical testing. Allele origin: germline.

PreventionGenetics, part of Exact Sciences
Classification: Likely benign for AHI1-related condition. Last evaluated: 2024-10-21. Review status: criteria provided, single submitter. Criteria: ACMG Guidelines, 2015. Collection method: clinical testing. Allele origin: germline.
Comment: This variant is classified as likely benign based on ACMG/AMP sequence variant interpretation guidelines (Richards et al. 2015 PMID: 25741868, with internal and published modifications).

Blueprint Genetics
Classification: Likely benign. Last evaluated: 2024-10-09. Review status: criteria provided, single submitter. Criteria: ACMG Guidelines, 2015. Collection method: clinical testing. Allele origin: germline.

Illumina Laboratory Services, Illumina
Classification: Uncertain significance for Joubert syndrome 3. Last evaluated: 2018-01-13. Review status: criteria provided, single submitter. Criteria: ICSL Variant Classification Criteria 13 December 2019. Collection method: clinical testing. Allele origin: germline.